The following is an entry in ClinVar:

NM_000179.3(MSH6):c.260+10dup

Genes: MSH6 (mutS homolog 6; plus strand), LOC129933707 (ATAC-STARR-seq lymphoblastoid silent region 11468; plus strand). Cytogenetic location: 2p16.3.
Variant type: Duplication.
Coding change: c.260+10dup on transcript NM_000179.3 (MANE Select); 10 bases into the intron after coding-DNA position 260, one base duplicated (T; older notation c.260+10dupT).
Molecular consequence: intron variant.
Genome position (GRCh38, 1-based): chr2:47,783,503, T duplicated. VCF-style (leftmost placement, unchanged base first): chr2-47783502-G-GT. GRCh37 (hg19) VCF-style: chr2-48010641-G-GT.
Other names: c.260+10dupT (NM_000179.2); c.-477+10dup (NM_001281493.2); c.237+33dup (NM_001281492.2).
Identifiers: ClinVar variation 455211 (VCV000455211.10), dbSNP rs1553408493, ClinGen allele CA658655662.

ClinVar aggregate classification (germline): Benign/Likely benign. Review status: criteria provided, multiple submitters, no conflicts (2 of 4 stars). 2 submissions from 2 submitters: Benign (1); Likely benign (1). Last evaluated 2024-12-17.

Conditions:
Hereditary nonpolyposis colorectal neoplasms. Identifiers: MedGen C0009405, MeSH D003123.
Lynch syndrome 5 (LYNCH5). Also called: Colorectal cancer, hereditary nonpolyposis, type 5; Hereditary non-polyposis colorectal cancer, type 5. Identifiers: Orphanet 144, MedGen C1833477, MONDO:0013710, OMIM 614350. Disease mechanism: loss of function.

Submissions (2):

Myriad Genetics, Inc.
Classification: Benign for Lynch syndrome 5. Last evaluated: 2024-12-17. Review status: criteria provided, single submitter. Criteria: Myriad Autosomal Dominant, Autosomal Recessive and X-Linked Classification Criteria (2023). Collection method: clinical testing. Allele origin: unknown.
Comment: This variant is considered benign. This variant is intronic and is not expected to impact mRNA splicing.

Labcorp Genetics (formerly Invitae), Labcorp
Classification: Likely benign for Hereditary nonpolyposis colorectal neoplasms. Last evaluated: 2023-01-16. Review status: criteria provided, single submitter. Criteria: Invitae Variant Classification Sherloc (09022015). Collection method: clinical testing. Allele origin: germline.